The following is an entry in ClinVar:

NM_007255.3(B4GALT7):c.700C>T (p.Arg234Cys)

Gene: B4GALT7 (beta-1,4-galactosyltransferase 7; plus strand). Cytogenetic location: 5q35.3.
Variant type: single nucleotide variant.
Coding change: c.700C>T on transcript NM_007255.3 (MANE Select); coding-DNA position 700, C replaced by T.
Protein change: p.Arg234Cys; replaces arginine 234 with cysteine.
Molecular consequence: missense variant.
Genome position (GRCh38, 1-based): chr5:177,608,599, C>T. VCF-style: chr5-177608599-C-T. GRCh37 (hg19) VCF-style: chr5-177035600-C-T.
Other names: short protein forms R234C.
Identifiers: ClinVar variation 1313410 (VCV001313410.10), dbSNP rs139730903, ClinGen allele CA3586639.

ClinVar aggregate classification (germline): Uncertain significance. Review status: criteria provided, multiple submitters, no conflicts (2 of 4 stars). 5 submissions from 5 submitters: Uncertain significance (5). Last evaluated 2025-08-18.

Conditions:
Spondylodysplastic Ehlers-Danlos syndrome. Identifiers: Orphanet 536471, Orphanet 75496, MedGen C5680154, MONDO:0007526.
Inborn genetic diseases. Identifiers: MedGen C0950123, MeSH D030342.

Allele frequency attached by ClinVar (database versions not stated): gnomAD 0.00017 and 0.00020; TOPMed 0.00017; ExAC 0.00010; ESP Exome Variant Server 0.00015; gnomAD exomes 0.00010.
gnomAD v4.1: 177 of 1,613,702 alleles (0.011%); highest among the groups gnomAD compares: Admixed American, 0.043%; no homozygotes.

Submissions (5):

Women's Health and Genetics/Laboratory Corporation of America, LabCorp
Classification: Uncertain significance. Last evaluated: 2025-08-18. Review status: criteria provided, single submitter. Criteria: LabCorp Variant Classification Summary - May 2015. Collection method: clinical testing. Allele origin: germline.
Comment: Variant summary: B4GALT7 c.700C>T (p.Arg234Cys) results in a non-conservative amino acid change located in the N-terminal domain of galactosyltransferase (IPR027791) of the encoded protein sequence. Algorithms developed to predict the effect of missense changes on protein structure and function all suggest that this variant is likely to be disruptive. The variant allele was found at a frequency of 9.6e-05 in 250812 control chromosomes. This frequency is not significantly higher than estimated for a pathogenic variant in B4GALT7 causing Spondylodysplastic Ehlers-Danlos syndrome (9.6e-05 vs 0.0011), allowing no conclusion about variant significance. To our knowledge, no occurrence of c.700C>T in individuals affected with Spondylodysplastic Ehlers-Danlos syndrome and no experimental evidence demonstrating its impact on protein function have been reported. ClinVar contains an entry for this variant (Variation ID: 1313410). Based on the evidence outlined above, the variant was classified as uncertain significance.

GeneDx
Classification: Uncertain significance. Last evaluated: 2025-05-13. Review status: criteria provided, single submitter. Criteria: GeneDx Variant Classification Process June 2021. Collection method: clinical testing. Allele origin: germline. Affected: yes.
Comment: In silico analysis supports that this missense variant has a deleterious effect on protein structure/function; Has not been previously published as pathogenic or benign to our knowledge

Blueprint Genetics
Classification: Uncertain significance. Last evaluated: 2024-11-04. Review status: criteria provided, single submitter. Criteria: ACMG Guidelines, 2015. Collection method: clinical testing. Allele origin: germline.

Ambry Genetics
Classification: Uncertain significance for Inborn genetic diseases. Last evaluated: 2024-09-20. Review status: criteria provided, single submitter. Criteria: Ambry Variant Classification Scheme 2023. Collection method: clinical testing. Allele origin: germline.

Labcorp Genetics (formerly Invitae), Labcorp
Classification: Uncertain significance for Spondylodysplastic Ehlers-Danlos syndrome. Last evaluated: 2022-10-24. Review status: criteria provided, single submitter. Criteria: Invitae Variant Classification Sherloc (09022015). Collection method: clinical testing. Allele origin: germline.
Comment: This sequence change replaces arginine, which is basic and polar, with cysteine, which is neutral and slightly polar, at codon 234 of the B4GALT7 protein (p.Arg234Cys). This variant is present in population databases (rs139730903, gnomAD 0.02%). This variant has not been reported in the literature in individuals affected with B4GALT7-related conditions. ClinVar contains an entry for this variant (Variation ID: 1313410). Advanced modeling of protein sequence and biophysical properties (such as structural, functional, and spatial information, amino acid conservation, physicochemical variation, residue mobility, and thermodynamic stability) performed at Invitae indicates that this missense variant is expected to disrupt B4GALT7 protein function. In summary, the available evidence is currently insufficient to determine the role of this variant in disease. Therefore, it has been classified as a Variant of Uncertain Significance.